The following is an entry in ClinVar:

ClinVar aggregate classification (germline): Uncertain significance (1 of 4 stars; one submission).

Submission:

Labcorp Genetics (formerly Invitae), Labcorp
Classification: Uncertain significance. Last evaluated: 2023-10-06. Review status: criteria provided, single submitter. Criteria: Invitae Variant Classification Sherloc (09022015). Collection method: clinical testing. Allele origin: germline.
Comment: This sequence change replaces proline, which is neutral and non-polar, with leucine, which is neutral and non-polar, at codon 994 of the GRIN2D protein (p.Pro994Leu). The frequency data for this variant in the population databases is considered unreliable, as metrics indicate insufficient coverage at this position in the gnomAD database. This variant has not been reported in the literature in individuals affected with GRIN2D-related conditions. Advanced modeling of protein sequence and biophysical properties (such as structural, functional, and spatial information, amino acid conservation, physicochemical variation, residue mobility, and thermodynamic stability) performed at Invitae indicates that this missense variant is not expected to disrupt GRIN2D protein function. In summary, the available evidence is currently insufficient to determine the role of this variant in disease. Therefore, it has been classified as a Variant of Uncertain Significance.

NM_000836.4(GRIN2D):c.2981C>T (p.Pro994Leu)

Gene: GRIN2D (glutamate ionotropic receptor NMDA type subunit 2D; plus strand). Cytogenetic location: 19q13.33.
Variant type: single nucleotide variant.
Coding change: c.2981C>T on transcript NM_000836.4 (MANE Select); coding-DNA position 2981, C replaced by T.
Protein change: p.Pro994Leu; replaces proline 994 with leucine.
Molecular consequence: missense variant.
Genome position (GRCh38, 1-based): chr19:48,442,907, C>T. VCF-style: chr19-48442907-C-T. GRCh37 (hg19) VCF-style: chr19-48946164-C-T.
Other names: short protein forms P994L.
Identifiers: ClinVar variation 2986485 (VCV002986485.3), dbSNP rs1466864340, ClinGen allele CA406674501.